The following is an entry in ClinVar:

ClinVar aggregate classification (germline): Benign/Likely benign. Review status: criteria provided, multiple submitters, no conflicts (2 of 4 stars). 8 submissions from 8 submitters: Benign (5); Likely benign (3). Last evaluated 2026-09-01.

Conditions:
Neutral lipid storage myopathy (NLSDM). Also called: NEUTRAL LIPID STORAGE DISEASE WITHOUT ICHTHYOSIS. Identifiers: Orphanet 98908, MedGen C1853136, MONDO:0012545, OMIM 610717.

Allele frequency attached by ClinVar (database versions not stated): 1000 Genomes Project 0.00140; 1000 Genomes Project 30x 0.00172; ESP Exome Variant Server 0.00340; gnomAD exomes 0.00545 and 0.00755; TOPMed 0.00572; ExAC 0.00589; gnomAD 0.00597 and 0.00637.
gnomAD v4.1: 11,509 of 1,554,834 alleles (0.74%); highest among the groups gnomAD compares: Non-Finnish European, 0.85%; 62 homozygotes.

Submissions (8):

CeGaT Center for Human Genetics Tuebingen
Classification: Likely benign. Last evaluated: 2026-09-01. Review status: criteria provided, single submitter. Criteria: CeGaT Center For Human Genetics Tuebingen Variant Classification Criteria Version 2. Collection method: clinical testing. Allele origin: germline. Affected: yes. Observed: 28 variant alleles.
Comment: PNPLA2: BP4, BP7, BS2

Labcorp Genetics (formerly Invitae), Labcorp
Classification: Benign for Neutral lipid storage myopathy. Last evaluated: 2026-02-01. Review status: criteria provided, single submitter. Criteria: Invitae Variant Classification Sherloc (09022015). Collection method: clinical testing. Allele origin: germline.

Mayo Clinic Laboratories, Mayo Clinic
Classification: Benign. Last evaluated: 2025-02-11. Review status: criteria provided, single submitter. Criteria: ACMG Guidelines, 2015. Collection method: clinical testing. Allele origin: germline. Observed: 18 variant alleles.
Comment: BA1, BP4, BP7

Blueprint Genetics
Classification: Likely benign. Last evaluated: 2024-11-25. Review status: criteria provided, single submitter. Criteria: ACMG Guidelines, 2015. Collection method: clinical testing. Allele origin: germline.

GeneDx
Classification: Benign. Last evaluated: 2020-11-03. Review status: criteria provided, single submitter. Criteria: GeneDx Variant Classification Process June 2021. Collection method: clinical testing. Allele origin: germline. Affected: yes.

Illumina Laboratory Services, Illumina
Classification: Benign for Neutral lipid storage myopathy. Last evaluated: 2018-01-13. Review status: criteria provided, single submitter. Criteria: ICSL Variant Classification Criteria 13 December 2019. Collection method: clinical testing. Allele origin: germline.
Comment: This variant was observed in the ICSL laboratory as part of a predisposition screen in an ostensibly healthy population. It had not been previously curated by ICSL or reported in the Human Gene Mutation Database (HGMD: prior to June 1st, 2018), and was therefore a candidate for classification through an automated scoring system. Utilizing variant allele frequency, disease prevalence and penetrance estimates, and inheritance mode, an automated score was calculated to assess if this variant is too frequent to cause the disease. Based on the score and internal cut-off values, a variant classified as benign is not then subjected to further curation. The score for this variant resulted in a classification of benign for this disease.

Breakthrough Genomics
Classification: Likely benign. Review status: criteria provided, single submitter. Criteria: ACMG Guidelines, 2015. Collection method: not provided. Allele origin: germline. Inheritance: Autosomal recessive inheritance. Affected: yes.

PreventionGenetics, part of Exact Sciences
Classification: Benign. Review status: criteria provided, single submitter. Criteria: ACMG Guidelines, 2015. Collection method: clinical testing. Allele origin: germline.

NM_020376.4(PNPLA2):c.1149G>A (p.Arg383=)

Gene: PNPLA2 (patatin like domain 2, triacylglycerol lipase; plus strand). Cytogenetic location: 11p15.5.
Variant type: single nucleotide variant.
Coding change: c.1149G>A on transcript NM_020376.4 (MANE Select); coding-DNA position 1149, G replaced by A.
Protein change: p.Arg383=; no amino-acid change (arginine 383 retained).
Molecular consequence: synonymous variant.
Genome position (GRCh38, 1-based): chr11:824,410, G>A. VCF-style: chr11-824410-G-A. GRCh37 (hg19) VCF-style: chr11-824410-G-A.
Other names: p.Arg383=.
Identifiers: ClinVar variation 261230 (VCV000261230.55), dbSNP rs150770244, ClinGen allele CA5791315.
Genomic context (GRCh38, chr11:824,410, plus strand): 5'-CCGGTGGATGAAGGAGCAGACGGGCAGCATCTGCCAGTACCTGGTGATGCGCGCCAAGAG[G>A]AAGCTGGGCAGGCACCTGCCCTCCAGGTGAGCCGCCGACCGCGCGTCCACCCGGGGCCCG-3'
Protein context (NP_065109.1, residues 373-393): ICQYLVMRAK[Arg383=]KLGRHLPSRL